The following is an entry in ClinVar:

ClinVar aggregate classification (germline): Likely benign (1 of 4 stars; one submission).

Conditions:
PLXNA2-related disorder. Also called: PLXNA2-related condition.

gnomAD v4.1: 44 of 1,612,802 alleles (0.0027%); highest among the groups gnomAD compares: Middle Eastern, 0.033%; 1 homozygote.

Submission:

PreventionGenetics, part of Exact Sciences
Classification: Likely benign for PLXNA2-related condition. Last evaluated: 2025-04-07. Review status: criteria provided, single submitter. Criteria: ACMG Guidelines, 2015. Collection method: clinical testing. Allele origin: germline.
Comment: This variant is classified as likely benign based on ACMG/AMP sequence variant interpretation guidelines (Richards et al. 2015 PMID: 25741868, with internal and published modifications).

NM_025179.4(PLXNA2):c.2299-4A>G

Gene: PLXNA2 (plexin A2; minus strand). Cytogenetic location: 1q32.2.
Variant type: single nucleotide variant.
Coding change: c.2299-4A>G on transcript NM_025179.4 (MANE Select); 4 bases into the intron before coding-DNA position 2299, A replaced by G.
Molecular consequence: intron variant.
Genome position (GRCh38, 1-based): chr1:208,082,512, T>C on the plus strand (A>G on the coding strand, the complement: PLXNA2 is on the minus strand). VCF-style: chr1-208082512-T-C. GRCh37 (hg19) VCF-style: chr1-208255857-T-C.
Identifiers: ClinVar variation 4978504 (VCV004978504.1).
Genomic context (GRCh38, chr1:208,082,512, plus strand): 5'-CCACACCACAGCGAAATCCACGGCCAGATTGCTGATGTCCATGCCATCATACTGGTACTA[T>C]AGGGAGACGGGCAGAGGCATGGGGCTCATGTGGCTCTCTATCACAGGGGTCAGGGATGCA-3'